The following is an entry in ClinVar:

NM_198578.4(LRRK2):c.2338G>A (p.Gly780Arg)

Gene: LRRK2 (leucine rich repeat kinase 2; plus strand). Cytogenetic location: 12q12.
Variant type: single nucleotide variant.
Coding change: c.2338G>A on transcript NM_198578.4 (MANE Select); coding-DNA position 2338, G replaced by A.
Protein change: p.Gly780Arg; replaces glycine 780 with arginine.
Molecular consequence: missense variant.
Genome position (GRCh38, 1-based): chr12:40,283,971, G>A. VCF-style: chr12-40283971-G-A. GRCh37 (hg19) VCF-style: chr12-40677773-G-A.
Other names: short protein forms G780R.
Identifiers: ClinVar variation 1789804 (VCV001789804.2), dbSNP rs2499664408, ClinGen allele CA384406592.

ClinVar aggregate classification (germline): Uncertain significance (1 of 4 stars; one submission).

Conditions:
Inborn genetic diseases. Identifiers: MedGen C0950123, MeSH D030342.

Submission:

Ambry Genetics
Classification: Uncertain significance for Inborn genetic diseases. Last evaluated: 2021-12-20. Review status: criteria provided, single submitter. Criteria: Ambry Variant Classification Scheme 2023. Collection method: clinical testing. Allele origin: germline.
Comment: The p.G780R variant (also known as c.2338G>A), located in coding exon 19 of the LRRK2 gene, results from a G to A substitution at nucleotide position 2338. The glycine at codon 780 is replaced by arginine, an amino acid with dissimilar properties. This amino acid position is conserved. In addition, this alteration is predicted to be tolerated by in silico analysis. Since supporting evidence is limited at this time, the clinical significance of this alteration remains unclear.